The following is an entry in ClinVar:

ClinVar aggregate classification (germline): Likely benign. Review status: criteria provided, multiple submitters, no conflicts (2 of 4 stars). 2 submissions from 2 submitters: Likely benign (2). Last evaluated 2026-01-07.

Conditions:
PHF21A-related disorder. Also called: PHF21A-related condition.

Submissions (2):

Labcorp Genetics (formerly Invitae), Labcorp
Classification: Likely benign. Last evaluated: 2026-01-07. Review status: criteria provided, single submitter. Criteria: Invitae Variant Classification Sherloc (09022015). Collection method: clinical testing. Allele origin: germline.

PreventionGenetics, part of Exact Sciences
Classification: Likely benign for PHF21A-related condition. Last evaluated: 2024-10-13. Review status: criteria provided, single submitter. Criteria: ACMG Guidelines, 2015. Collection method: clinical testing. Allele origin: germline.
Comment: This variant is classified as likely benign based on ACMG/AMP sequence variant interpretation guidelines (Richards et al. 2015 PMID: 25741868, with internal and published modifications).

NM_001352027.3(PHF21A):c.1685-15_1685-3del

Gene: PHF21A (PHD finger protein 21A; minus strand). Cytogenetic location: 11p11.2.
Variant type: Deletion.
Coding change: c.1685-15_1685-3del on transcript NM_001352027.3 (MANE Select); 15 bases into the intron before coding-DNA position 1685 through 3 bases into the intron before coding-DNA position 1685, 13 bases deleted (TTTTTTTTTTTTT).
Molecular consequence: intron variant.
Genome position (GRCh38, 1-based): chr11:45,935,742-45,935,754, AAAAAAAAAAAAA deleted on the plus strand (TTTTTTTTTTTTT on the coding strand, the reverse complement: PHF21A is on the minus strand); deleting any 13 consecutive bases within chr11:45,935,742-45,935,764 gives the same sequence; the c. name uses the placement nearest the transcript's 3' end. VCF-style (leftmost placement, unchanged base first): chr11-45935741-TAAAAAAAAAAAAA-T. GRCh37 (hg19) VCF-style: chr11-45957292-TAAAAAAAAAAAAA-T.
Other names: c.1541-15_1541-3del (NM_001352030.3, NM_001352031.3, NM_001352032.3); c.1682-15_1682-3del (NM_001101802.3); c.1685-15_1685-3del (NM_001352026.3, NM_001352025.3); c.1544-15_1544-3del (NM_016621.5, NM_001352028.1, NM_001352029.1); c.1544-15_1544-3del13 (NM_016621.3).
Identifiers: ClinVar variation 1979745 (VCV001979745.5), dbSNP rs35995547, ClinGen allele CA473864609.